The following is an entry in ClinVar:

ClinVar aggregate classification (germline): Uncertain significance. Review status: criteria provided, multiple submitters, no conflicts (2 of 4 stars). 2 submissions from 2 submitters: Uncertain significance (2). Last evaluated 2022-07-12.

Conditions:
Xeroderma pigmentosum, group G (XPG). Also called: XERODERMA PIGMENTOSUM VII; XP, GROUP G; Xeroderma pigmentosum type 7; ERCC5-Related Xeroderma Pigmentosum. Identifiers: MedGen C0268141, MONDO:0010216, OMIM 278780.

Allele frequency attached by ClinVar (database versions not stated): ExAC 0.00003; TOPMed 0.00005; gnomAD 0.00006; 1000 Genomes Project 30x 0.00016; 1000 Genomes Project 0.00020.
gnomAD v4.1: 84 of 1,613,968 alleles (0.0052%); highest among the groups gnomAD compares: East Asian, 0.011%; no homozygotes.

Submissions (2):

Labcorp Genetics (formerly Invitae), Labcorp
Classification: Uncertain significance. Last evaluated: 2022-07-12. Review status: criteria provided, single submitter. Criteria: Invitae Variant Classification Sherloc (09022015). Collection method: clinical testing. Allele origin: germline.
Comment: This sequence change falls in intron 1 of the ERCC5 gene. It does not directly change the encoded amino acid sequence of the ERCC5 protein. This variant is present in population databases (rs202103819, gnomAD 0.04%). This variant has not been reported in the literature in individuals affected with ERCC5-related conditions. ClinVar contains an entry for this variant (Variation ID: 881015). Algorithms developed to predict the effect of sequence changes on RNA splicing suggest that this variant may disrupt the consensus splice site. In summary, the available evidence is currently insufficient to determine the role of this variant in disease. Therefore, it has been classified as a Variant of Uncertain Significance.

Illumina Laboratory Services, Illumina
Classification: Uncertain significance for Xeroderma pigmentosum, group G. Last evaluated: 2018-02-02. Review status: criteria provided, single submitter. Criteria: ICSL Variant Classification Criteria 13 December 2019. Collection method: clinical testing. Allele origin: germline.

NM_000123.4(ERCC5):c.89-10A>G

Genes: BIVM-ERCC5 (BIVM-ERCC5 readthrough; plus strand), ERCC5 (ERCC excision repair 5, endonuclease; plus strand). Cytogenetic location: 13q33.1.
Variant type: single nucleotide variant.
Coding change: c.89-10A>G on transcript NM_000123.4 (MANE Select); 10 bases into the intron before coding-DNA position 89, A replaced by G.
Molecular consequence: intron variant.
Genome position (GRCh38, 1-based): chr13:102,852,108, A>G. VCF-style: chr13-102852108-A-G. GRCh37 (hg19) VCF-style: chr13-103504458-A-G.
Other names: c.1451-10A>G (NM_001204425.2).
Identifiers: ClinVar variation 881015 (VCV000881015.5), dbSNP rs202103819, ClinGen allele CA7041052.